The following is an entry in ClinVar:

NM_153717.3(EVC):c.1409A>G (p.Gln470Arg)

Gene: EVC (EvC ciliary complex subunit 1; plus strand). Cytogenetic location: 4p16.2.
Variant type: single nucleotide variant.
Coding change: c.1409A>G on transcript NM_153717.3 (MANE Select); coding-DNA position 1409, A replaced by G.
Protein change: p.Gln470Arg; replaces glutamine 470 with arginine.
Molecular consequence: missense variant.
Genome position (GRCh38, 1-based): chr4:5,753,878, A>G. VCF-style: chr4-5753878-A-G. GRCh37 (hg19) VCF-style: chr4-5755605-A-G.
Other names: c.1409A>G, p.Gln470Arg (NM_001306090.2, NM_001306092.2); short protein forms Q470R.
Identifiers: ClinVar variation 3766913 (VCV003766913.1).

ClinVar aggregate classification (germline): Uncertain significance (1 of 4 stars; one submission).

gnomAD v4.1: 3 of 1,614,006 alleles (0.00019%); highest among the groups gnomAD compares: Admixed American, 0.005%; no homozygotes.

Submission:

ARUP Laboratories, Molecular Genetics and Genomics, ARUP Laboratories
Classification: Uncertain significance. Last evaluated: 2024-10-21. Review status: criteria provided, single submitter. Criteria: ARUP Molecular Germline Variant Investigation Process 2024. Collection method: clinical testing. Allele origin: germline.
Comment: The EVC c.1409A>G; p.Gln470Arg variant (rs779553464), to our knowledge, is not reported in the medical literature or gene specific databases. This variant is only observed on one allele in the Genome Aggregation Database (v2.1.1), indicating it is not a common polymorphism. Computational analyses are uncertain whether this variant is neutral or deleterious (REVEL: 0.028). However, given the lack of clinical and functional data, the significance of this variant is uncertain at this time.